The following is an entry in ClinVar:

NM_000081.4(LYST):c.3014A>G (p.His1005Arg)

Gene: LYST (lysosomal trafficking regulator; minus strand). Cytogenetic location: 1q42.3.
Variant type: single nucleotide variant.
Coding change: c.3014A>G on transcript NM_000081.4 (MANE Select); coding-DNA position 3014, A replaced by G.
Protein change: p.His1005Arg; replaces histidine 1005 with arginine.
Molecular consequence: missense variant.
Genome position (GRCh38, 1-based): chr1:235,806,122, T>C on the plus strand (A>G on the coding strand, the complement: LYST is on the minus strand). VCF-style: chr1-235806122-T-C. GRCh37 (hg19) VCF-style: chr1-235969422-T-C.
Other names: c.3014A>G, p.His1005Arg (NM_001301365.1); short protein forms H1005R.
Identifiers: ClinVar variation 570412 (VCV000570412.7), dbSNP rs1291596174, ClinGen allele CA344954231.

ClinVar aggregate classification (germline): Uncertain significance. Review status: criteria provided, multiple submitters, no conflicts (2 of 4 stars). 2 submissions from 2 submitters: Uncertain significance (2). Last evaluated 2022-03-16.

Conditions:
Chédiak-Higashi syndrome (CHS). Also called: Chediak-Higashi Syndrome. Identifiers: Orphanet 167, MedGen C0007965, MONDO:0008963, OMIM 214500.

Allele frequency attached by ClinVar (database versions not stated): gnomAD exomes 0.00001; TOPMed below 0.00001; gnomAD 0.00001.
gnomAD v4.1: 21 of 1,613,930 alleles (0.0013%); highest among the groups gnomAD compares: Non-Finnish European, 0.0017%; no homozygotes.

Submissions (2):

Labcorp Genetics (formerly Invitae), Labcorp
Classification: Uncertain significance for Chédiak-Higashi syndrome. Last evaluated: 2022-03-16. Review status: criteria provided, single submitter. Criteria: Invitae Variant Classification Sherloc (09022015). Collection method: clinical testing. Allele origin: germline.
Comment: This sequence change replaces histidine, which is basic and polar, with arginine, which is basic and polar, at codon 1005 of the LYST protein (p.His1005Arg). This variant is present in population databases (no rsID available, gnomAD 0.003%). This variant has not been reported in the literature in individuals affected with LYST-related conditions. ClinVar contains an entry for this variant (Variation ID: 570412). Algorithms developed to predict the effect of missense changes on protein structure and function output the following: SIFT: "Tolerated"; PolyPhen-2: "Benign"; Align-GVGD: "Class C0". The arginine amino acid residue is found in multiple mammalian species, which suggests that this missense change does not adversely affect protein function. In summary, the available evidence is currently insufficient to determine the role of this variant in disease. Therefore, it has been classified as a Variant of Uncertain Significance.

Fulgent Genetics
Classification: Uncertain significance for Chédiak-Higashi syndrome. Last evaluated: 2021-11-02. Review status: criteria provided, single submitter. Criteria: ACMG Guidelines, 2015. Collection method: clinical testing. Allele origin: unknown.